The following is an entry in ClinVar:

NM_005051.3(QARS1):c.92C>T (p.Ala31Val)

Genes: QARS1 (glutaminyl-tRNA synthetase 1; minus strand), LOC129936736 (ATAC-STARR-seq lymphoblastoid active region 19853; plus strand). Cytogenetic location: 3p21.31.
Variant type: single nucleotide variant.
Coding change: c.92C>T on transcript NM_005051.3 (MANE Select); coding-DNA position 92, C replaced by T.
Protein change: p.Ala31Val; replaces alanine 31 with valine.
Molecular consequence: missense variant. On other transcripts: non-coding transcript variant (1).
Genome position (GRCh38, 1-based): chr3:49,104,642, G>A on the plus strand (C>T on the coding strand, the complement: QARS1 is on the minus strand). VCF-style: chr3-49104642-G-A. GRCh37 (hg19) VCF-style: chr3-49142075-G-A.
Other names: p.Ala31Val; c.92C>T, p.Ala31Val (NM_001272073.2); c.92C>T (NM_005051.1); short protein forms A31V.
Identifiers: ClinVar variation 856316 (VCV000856316.8), dbSNP rs371969519, ClinGen allele CA2392327.

ClinVar aggregate classification (germline): Uncertain significance. Review status: criteria provided, multiple submitters, no conflicts (2 of 4 stars). 3 submissions from 3 submitters: Uncertain significance (3). Last evaluated 2025-08-02.

Conditions:
Inborn genetic diseases. Identifiers: MedGen C0950123, MeSH D030342.
Diffuse cerebral and cerebellar atrophy - intractable seizures - progressive microcephaly syndrome. Also called: Microcephaly, progressive, with seizures and cerebral and cerebellar atrophy. Identifiers: Orphanet 404437, MedGen C4014239, MONDO:0014335, OMIM 615760.

Allele frequency attached by ClinVar (database versions not stated): TOPMed below 0.00001; gnomAD 0.00001; gnomAD exomes 0.00001; ExAC 0.00002; ESP Exome Variant Server 0.00008.
gnomAD v4.1: 17 of 1,606,298 alleles (0.0011%); highest among the groups gnomAD compares: Non-Finnish European, 0.0014%; no homozygotes.

Submissions (3):

Ambry Genetics
Classification: Uncertain significance for Inborn genetic diseases. Last evaluated: 2025-08-02. Review status: criteria provided, single submitter. Criteria: Ambry Variant Classification Scheme 2023. Collection method: clinical testing. Allele origin: germline.

Labcorp Genetics (formerly Invitae), Labcorp
Classification: Uncertain significance for Diffuse cerebral and cerebellar atrophy - intractable seizures - progressive microcephaly syndrome. Last evaluated: 2024-12-16. Review status: criteria provided, single submitter. Criteria: Invitae Variant Classification Sherloc (09022015). Collection method: clinical testing. Allele origin: germline.
Comment: This sequence change replaces alanine, which is neutral and non-polar, with valine, which is neutral and non-polar, at codon 31 of the QARS protein (p.Ala31Val). This variant is present in population databases (rs371969519, gnomAD 0.004%). This variant has not been reported in the literature in individuals affected with QARS-related conditions. ClinVar contains an entry for this variant (Variation ID: 856316). Invitae Evidence Modeling of protein sequence and biophysical properties (such as structural, functional, and spatial information, amino acid conservation, physicochemical variation, residue mobility, and thermodynamic stability) has been performed for this missense variant. However, the output from this modeling did not meet the statistical confidence thresholds required to predict the impact of this variant on QARS protein function. In summary, the available evidence is currently insufficient to determine the role of this variant in disease. Therefore, it has been classified as a Variant of Uncertain Significance.

Mayo Clinic Laboratories, Mayo Clinic
Classification: Uncertain significance. Last evaluated: 2023-09-21. Review status: criteria provided, single submitter. Criteria: ACMG Guidelines, 2015. Collection method: clinical testing. Allele origin: germline. Observed: 1 variant allele.
Comment: BP4, PM2_moderate